The following is an entry in ClinVar:

NM_001750.7(CAST):c.2193A>T (p.Gln731His)

Genes: CAST (calpastatin; plus strand), ERAP1 (endoplasmic reticulum aminopeptidase 1; minus strand). Cytogenetic location: 5q15.
Variant type: single nucleotide variant.
Coding change: c.2193A>T on transcript NM_001750.7 (MANE Select); coding-DNA position 2193, A replaced by T.
Protein change: p.Gln731His; replaces glutamine 731 with histidine.
Molecular consequence: missense variant. On other transcripts: non-coding transcript variant (1), intron variant (2).
Genome position (GRCh38, 1-based): chr5:96,767,924, A>T. VCF-style: chr5-96767924-A-T. GRCh37 (hg19) VCF-style: chr5-96103628-A-T.
Other names: c.1878A>T, p.Gln626His (NM_173060.5, NM_001423253.1, NM_001423254.1); c.2819-4696T>A (NM_001349244.2, NM_016442.5); c.2070A>T, p.Gln690His (NM_001042440.5); c.2136A>T, p.Gln712His (NM_001042441.3); c.2127A>T, p.Gln709His (NM_001042442.3); c.1944A>T, p.Gln648His (NM_001042443.3, NM_001423250.1); c.1821A>T, p.Gln607His (NM_001042444.3); c.1839A>T, p.Gln613His (NM_001042445.3, NM_001423255.1, NM_001423256.1 and 2 more transcripts); and 14 more; short protein forms Q607H, Q613H, Q629H, Q635H, Q648H, Q675H, Q709H, Q731H.
Identifiers: ClinVar variation 1991312 (VCV001991312.4), dbSNP rs144830846, ClinGen allele CA3351676.

ClinVar aggregate classification (germline): Uncertain significance. Review status: criteria provided, multiple submitters, no conflicts (2 of 4 stars). 2 submissions from 2 submitters: Uncertain significance (2). Last evaluated 2022-02-05.

Conditions:
Inborn genetic diseases. Identifiers: MedGen C0950123, MeSH D030342.

Allele frequency attached by ClinVar (database versions not stated): ExAC 0.00004; gnomAD 0.00014; TOPMed 0.00014; gnomAD exomes below 0.00001; ESP Exome Variant Server 0.00031.
gnomAD v4.1: 27 of 1,613,158 alleles (0.0017%); highest among the groups gnomAD compares: African/African-American, 0.035%; no homozygotes.

Submissions (2):

Labcorp Genetics (formerly Invitae), Labcorp
Classification: Uncertain significance. Last evaluated: 2022-02-05. Review status: criteria provided, single submitter. Criteria: Invitae Variant Classification Sherloc (09022015). Collection method: clinical testing. Allele origin: germline.
Comment: In summary, the available evidence is currently insufficient to determine the role of this variant in disease. Therefore, it has been classified as a Variant of Uncertain Significance. Algorithms developed to predict the effect of missense changes on protein structure and function output the following: SIFT: "Not Available"; PolyPhen-2: "Benign"; Align-GVGD: "Not Available". The histidine amino acid residue is found in multiple mammalian species, which suggests that this missense change does not adversely affect protein function. This variant has not been reported in the literature in individuals affected with CAST-related conditions. This variant is present in population databases (rs144830846, gnomAD 0.05%). This sequence change replaces glutamine, which is neutral and polar, with histidine, which is basic and polar, at codon 690 of the CAST protein (p.Gln690His).

Ambry Genetics
Classification: Uncertain significance for Inborn genetic diseases. Last evaluated: 2021-08-04. Review status: criteria provided, single submitter. Criteria: Ambry Variant Classification Scheme 2023. Collection method: clinical testing. Allele origin: germline.